The following is an entry in ClinVar:

ClinVar aggregate classification (germline): Uncertain significance (1 of 4 stars; one submission).

Conditions:
Cardiovascular phenotype. Identifiers: MedGen CN230736.

Allele frequency attached by ClinVar (database versions not stated): gnomAD 0.00001.

Submission:

Ambry Genetics
Classification: Uncertain significance for Cardiovascular phenotype. Last evaluated: 2023-03-02. Review status: criteria provided, single submitter. Criteria: Ambry Variant Classification Scheme 2023. Collection method: clinical testing. Allele origin: germline.
Comment: The c.-3C>T variant is located in the 5' untranslated region (5&rsquo;UTR) of the ALPK3 gene. This variant results from a C to T substitution 3 nucleotides upstream from the first translated codon. This nucleotide position is highly conserved in available vertebrate species. Since supporting evidence is limited at this time, the clinical significance of this alteration remains unclear.

NM_020778.4(ALPK3):c.-3C>T

Gene: ALPK3 (alpha kinase 3; plus strand). Cytogenetic location: 15q25.3.
Variant type: single nucleotide variant.
Coding change: c.-3C>T on transcript NM_020778.4; 3 bases upstream of the start codon, C replaced by T.
Genome position (GRCh38, 1-based): chr15:84,816,844, C>T. VCF-style: chr15-84816844-C-T. GRCh37 (hg19) VCF-style: chr15-85360075-C-T.
Identifiers: ClinVar variation 2497228 (VCV002497228.2), dbSNP rs1387284624, ClinGen allele CA619855152.
Genomic context (GRCh38, chr15:84,816,844, plus strand): 5'-GTGTTGGGGGAGACAGGAGAGAGATCCCACGGGGTTCCGGCCTCCCAGGGACTCAGGTCA[C>T]TAATGGAGGTGGCTTGGCTTGTCTATGTGCTGGGCCAACAGCCACTGGCGAGGCAAGGCG-3'